The following is an entry in ClinVar:

NM_000018.4(ACADVL):c.1616C>T (p.Ala539Val)

Gene: ACADVL (acyl-CoA dehydrogenase very long chain; plus strand). Cytogenetic location: 17p13.1.
Variant type: single nucleotide variant.
Coding change: c.1616C>T on transcript NM_000018.4 (MANE Select); coding-DNA position 1616, C replaced by T.
Protein change: p.Ala539Val; replaces alanine 539 with valine.
Molecular consequence: missense variant.
Genome position (GRCh38, 1-based): chr17:7,224,490, C>T. VCF-style: chr17-7224490-C-T. GRCh37 (hg19) VCF-style: chr17-7127809-C-T.
Other names: c.1550C>T, p.Ala517Val (NM_001033859.3); c.1685C>T, p.Ala562Val (NM_001270447.2); c.1388C>T, p.Ala463Val (NM_001270448.2); short protein forms A562V, A517V, A463V, A539V.
Identifiers: ClinVar variation 2115388 (VCV002115388.4), dbSNP rs781613690, ClinGen allele CA397725497.

ClinVar aggregate classification (germline): Uncertain significance (1 of 4 stars; one submission).

Conditions:
Very long chain acyl-CoA dehydrogenase deficiency (ACADVLD). Also called: VLCAD Deficiency; Very Long-Chain Acyl-Coenzyme A Dehydrogenase Deficiency. Identifiers: Orphanet 26793, MedGen C3887523, MONDO:0008723, OMIM 201475.

Submission:

Labcorp Genetics (formerly Invitae), Labcorp
Classification: Uncertain significance for Very long chain acyl-CoA dehydrogenase deficiency. Last evaluated: 2023-12-06. Review status: criteria provided, single submitter. Criteria: Invitae Variant Classification Sherloc (09022015). Collection method: clinical testing. Allele origin: germline.
Comment: This sequence change replaces alanine, which is neutral and non-polar, with valine, which is neutral and non-polar, at codon 539 of the ACADVL protein (p.Ala539Val). This variant is not present in population databases (gnomAD no frequency). This variant has not been reported in the literature in individuals affected with ACADVL-related conditions. ClinVar contains an entry for this variant (Variation ID: 2115388). Advanced modeling of protein sequence and biophysical properties (such as structural, functional, and spatial information, amino acid conservation, physicochemical variation, residue mobility, and thermodynamic stability) performed at Invitae indicates that this missense variant is expected to disrupt ACADVL protein function with a positive predictive value of 95%. In summary, the available evidence is currently insufficient to determine the role of this variant in disease. Therefore, it has been classified as a Variant of Uncertain Significance.